The following is an entry in ClinVar:

NM_173477.5(USH1G):c.877G>A (p.Ala293Thr)

Gene: USH1G (USH1 protein network component sans; minus strand). Cytogenetic location: 17q25.1.
Variant type: single nucleotide variant.
Coding change: c.877G>A on transcript NM_173477.5 (MANE Select); coding-DNA position 877, G replaced by A.
Protein change: p.Ala293Thr; replaces alanine 293 with threonine.
Molecular consequence: missense variant.
Genome position (GRCh38, 1-based): chr17:74,919,959, C>T on the plus strand (G>A on the coding strand, the complement: USH1G is on the minus strand). VCF-style: chr17-74919959-C-T. GRCh37 (hg19) VCF-style: chr17-72916054-C-T.
Other names: c.568G>A, p.Ala190Thr (NM_001282489.3); short protein forms A293T, A190T.
Identifiers: ClinVar variation 2106894 (VCV002106894.4), dbSNP rs1349530633, ClinGen allele CA400962802.

ClinVar aggregate classification (germline): Uncertain significance (1 of 4 stars; one submission).

Allele frequency attached by ClinVar (database versions not stated): TOPMed below 0.00001; gnomAD 0.00001.

Submission:

Labcorp Genetics (formerly Invitae), Labcorp
Classification: Uncertain significance. Last evaluated: 2022-05-31. Review status: criteria provided, single submitter. Criteria: Invitae Variant Classification Sherloc (09022015). Collection method: clinical testing. Allele origin: germline.
Comment: In summary, the available evidence is currently insufficient to determine the role of this variant in disease. Therefore, it has been classified as a Variant of Uncertain Significance. This sequence change replaces alanine, which is neutral and non-polar, with threonine, which is neutral and polar, at codon 293 of the USH1G protein (p.Ala293Thr). This variant is not present in population databases (gnomAD no frequency). This variant has not been reported in the literature in individuals affected with USH1G-related conditions. Algorithms developed to predict the effect of missense changes on protein structure and function are either unavailable or do not agree on the potential impact of this missense change (SIFT: "Not Available"; PolyPhen-2: "Possibly Damaging"; Align-GVGD: "Not Available").